The following is an entry in ClinVar:

NM_032634.4(PIGO):c.2725C>T (p.Gln909Ter)

Gene: PIGO (phosphatidylinositol glycan anchor biosynthesis class O; minus strand). Cytogenetic location: 9p13.3.
Variant type: single nucleotide variant.
Coding change: c.2725C>T on transcript NM_032634.4 (MANE Select); coding-DNA position 2725, C replaced by T.
Protein change: p.Gln909Ter; replaces glutamine 909 with a stop codon.
Molecular consequence: nonsense.
Genome position (GRCh38, 1-based): chr9:35,090,595, G>A on the plus strand (C>T on the coding strand, the complement: PIGO is on the minus strand). VCF-style: chr9-35090595-G-A. GRCh37 (hg19) VCF-style: chr9-35090592-G-A.
Other names: c.1474C>T, p.Gln492Ter (NM_001201484.2, NM_152850.4); short protein forms Q492*, Q909*.
Identifiers: ClinVar variation 952288 (VCV000952288.7), dbSNP rs1829372756, ClinGen allele CA373318312.

ClinVar aggregate classification (germline): Pathogenic (1 of 4 stars; one submission).

Conditions:
Hyperphosphatasia with impaired intellectual development syndrome 2. Also called: Hyperphosphatasia with intellectual disability syndrome 2; GLYCOSYLPHOSPHATIDYLINOSITOL BIOSYNTHESIS DEFECT 6. Identifiers: Orphanet 247262, MedGen C3553637, MONDO:0013882, OMIM 614749.

Submission:

Labcorp Genetics (formerly Invitae), Labcorp
Classification: Pathogenic for Hyperphosphatasia with impaired intellectual development syndrome 2. Last evaluated: 2022-09-01. Review status: criteria provided, single submitter. Criteria: Invitae Variant Classification Sherloc (09022015). Collection method: clinical testing. Allele origin: germline.
Comment: This sequence change creates a premature translational stop signal (p.Gln909*) in the PIGO gene. It is expected to result in an absent or disrupted protein product. Loss-of-function variants in PIGO are known to be pathogenic (PMID: 22683086, 24417746). This variant is not present in population databases (gnomAD no frequency). This variant has not been reported in the literature in individuals affected with PIGO-related conditions. ClinVar contains an entry for this variant (Variation ID: 952288). For these reasons, this variant has been classified as Pathogenic.

Literature cited by the submitters: PubMed 22683086; PubMed 24417746.